The following is an entry in ClinVar:

NM_000173.7(GP1BA):c.334G>A (p.Gly112Arg)

Gene: GP1BA (glycoprotein Ib platelet subunit alpha; plus strand). Cytogenetic location: 17p13.2.
Variant type: single nucleotide variant.
Coding change: c.334G>A on transcript NM_000173.7 (MANE Select); coding-DNA position 334, G replaced by A.
Protein change: p.Gly112Arg; replaces glycine 112 with arginine.
Molecular consequence: missense variant.
Genome position (GRCh38, 1-based): chr17:4,932,938, G>A. VCF-style: chr17-4932938-G-A. GRCh37 (hg19) VCF-style: chr17-4836233-G-A.
Other names: short protein forms G112R.
Identifiers: ClinVar variation 3101036 (VCV003101036.3), dbSNP rs373756376, ClinGen allele CA8314744.

ClinVar aggregate classification (germline): Uncertain significance. Review status: criteria provided, multiple submitters, no conflicts (2 of 4 stars). 3 submissions from 3 submitters: Uncertain significance (3). Last evaluated 2024-08-28.

Conditions:
Inborn genetic diseases. Identifiers: MedGen C0950123, MeSH D030342.

Allele frequency attached by ClinVar (database versions not stated): ESP Exome Variant Server 0.00016; 1000 Genomes Project 0.00020; TOPMed 0.00021; 1000 Genomes Project 30x 0.00031.
gnomAD v4.1: 65 of 1,613,966 alleles (0.004%); highest among the groups gnomAD compares: African/African-American, 0.079%; no homozygotes.

Submissions (3):

GeneDx
Classification: Uncertain significance. Last evaluated: 2024-08-28. Review status: criteria provided, single submitter. Criteria: GeneDx Variant Classification Process June 2021. Collection method: clinical testing. Allele origin: germline. Affected: yes.
Comment: In silico analysis supports that this missense variant has a deleterious effect on protein structure/function; Has not been previously published as pathogenic or benign to our knowledge

Women's Health and Genetics/Laboratory Corporation of America, LabCorp
Classification: Uncertain significance. Last evaluated: 2024-04-12. Review status: criteria provided, single submitter. Criteria: LabCorp Variant Classification Summary - May 2015. Collection method: clinical testing. Allele origin: germline.
Comment: Variant summary: GP1BA c.334G>A (p.Gly112Arg) results in a non-conservative amino acid change in the encoded protein sequence. Four of five in-silico tools predict a damaging effect of the variant on protein function. The variant allele was found at a frequency of 5.2e-05 in 249162 control chromosomes. To our knowledge, no occurrence of c.334G>A in individuals affected with Bernard-Soulier Syndrome, Type A2, Autosomal Dominant and no experimental evidence demonstrating its impact on protein function have been reported. No submitters have cited clinical-significance assessments for this variant to ClinVar. Based on the evidence outlined above, the variant was classified as uncertain significance.

Ambry Genetics
Classification: Uncertain significance for Inborn genetic diseases. Last evaluated: 2021-08-09. Review status: criteria provided, single submitter. Criteria: Ambry Variant Classification Scheme 2023. Collection method: clinical testing. Allele origin: germline.